The following is an entry in ClinVar:

NM_001184.4(ATR):c.880C>T (p.Pro294Ser)

Gene: ATR (ATR checkpoint kinase; minus strand). Cytogenetic location: 3q23.
Variant type: single nucleotide variant.
Coding change: c.880C>T on transcript NM_001184.4 (MANE Select); coding-DNA position 880, C replaced by T.
Protein change: p.Pro294Ser; replaces proline 294 with serine.
Molecular consequence: missense variant.
Genome position (GRCh38, 1-based): chr3:142,562,522, G>A on the plus strand (C>T on the coding strand, the complement: ATR is on the minus strand). VCF-style: chr3-142562522-G-A. GRCh37 (hg19) VCF-style: chr3-142281364-G-A.
Other names: c.880C>T, p.Pro294Ser (NM_001354579.2); short protein forms P294S.
Identifiers: ClinVar variation 1764750 (VCV001764750.3), dbSNP rs2108487457, ClinGen allele CA354825034.

ClinVar aggregate classification (germline): Uncertain significance. Review status: criteria provided, single submitter (1 of 4 stars). 2 submissions from 2 submitters: Uncertain significance (1). 1 of the submissions does not count toward it. Last evaluated 2021-11-10.

Conditions:
Inborn genetic diseases. Identifiers: MedGen C0950123, MeSH D030342.
ATR-related disorder. Also called: ATR-related condition.

Submissions (2):

Ambry Genetics
Classification: Uncertain significance for Inborn genetic diseases. Last evaluated: 2021-11-10. Review status: criteria provided, single submitter. Criteria: Ambry Variant Classification Scheme 2023. Collection method: clinical testing. Allele origin: germline.
Comment: The p.P294S variant (also known as c.880C>T), located in coding exon 4 of the ATR gene, results from a C to T substitution at nucleotide position 880. The proline at codon 294 is replaced by serine, an amino acid with similar properties. This amino acid position is conserved. In addition, this alteration is predicted to be tolerated by in silico analysis. Since supporting evidence is limited at this time, the clinical significance of this alteration remains unclear.

PreventionGenetics, part of Exact Sciences
Classification: Uncertain significance for ATR-related condition. Last evaluated: 2024-09-09. Review status: no assertion criteria provided. Collection method: clinical testing. Allele origin: germline. Not counted in ClinVar's aggregate classification.
Comment: The ATR c.880C>T variant is predicted to result in the amino acid substitution p.Pro294Ser. To our knowledge, this variant has not been reported in the literature or in a large population database, indicating this variant is rare. At this time, the clinical significance of this variant is uncertain due to the absence of conclusive functional and genetic evidence.